The following is an entry in ClinVar:

ClinVar aggregate classification (germline): Conflicting classifications of pathogenicity. Review status: criteria provided, conflicting classifications (1 of 4 stars). 6 submissions from 6 submitters: Uncertain significance (5); Likely benign (1). Last evaluated 2025-12-28.

Conditions:
Muscular dystrophy, limb-girdle, autosomal recessive 23. Identifiers: Orphanet 565837, MedGen C4748327, MONDO:0029136, OMIM 618138.
Merosin deficient congenital muscular dystrophy (MDC1A). Also called: Congenital Muscular Dystrophy Type 1A (MDC1A); Congenital merosin-deficient muscular dystrophy 1A. Identifiers: Orphanet 258, MedGen C1263858, MONDO:0011925, OMIM 607855.
LAMA2-related muscular dystrophy (LAMA2-RD). Also called: Laminin alpha 2-related dystrophy. Identifiers: MedGen C5679788, MONDO:0100228.

Allele frequency attached by ClinVar (database versions not stated): gnomAD 0.00003; TOPMed 0.00003; ExAC 0.00004; gnomAD exomes 0.00005.
gnomAD v4.1: 74 of 1,613,132 alleles (0.0046%); highest among the groups gnomAD compares: Non-Finnish European, 0.0036%; no homozygotes.

Submissions (6):

Labcorp Genetics (formerly Invitae), Labcorp
Classification: Likely benign for LAMA2-related muscular dystrophy. Last evaluated: 2025-12-28. Review status: criteria provided, single submitter. Criteria: Invitae Variant Classification Sherloc (09022015). Collection method: clinical testing. Allele origin: germline.

Revvity Omics, Revvity
Classification: Uncertain significance. Last evaluated: 2024-06-24. Review status: criteria provided, single submitter. Criteria: ACMG Guidelines, 2015. Collection method: clinical testing. Allele origin: germline.

Fulgent Genetics
Classification: Uncertain significance for Merosin deficient congenital muscular dystrophy; Muscular dystrophy, limb-girdle, autosomal recessive 23. Last evaluated: 2022-03-26. Review status: criteria provided, single submitter. Criteria: ACMG Guidelines, 2015. Collection method: clinical testing. Allele origin: unknown.

Mayo Clinic Laboratories, Mayo Clinic
Classification: Uncertain significance. Last evaluated: 2020-01-07. Review status: criteria provided, single submitter. Criteria: ACMG Guidelines, 2015. Collection method: clinical testing. Allele origin: germline. Observed: 1 variant allele.

GeneDx
Classification: Uncertain significance. Last evaluated: 2019-07-31. Review status: criteria provided, single submitter. Criteria: GeneDx Variant Classification Process June 2021. Collection method: clinical testing. Allele origin: germline. Affected: yes.
Comment: Has not been previously published as pathogenic or benign to our knowledge; In-silico analysis, which includes splice predictors and evolutionary conservation, is inconclusive as to whether the variant alters gene splicing. In the absence of RNA/functional studies, the actual effect of this sequence change is unknown.; In silico analysis, which includes protein predictors and evolutionary conservation, supports that this variant does not alter protein structure/function

Athena Diagnostics
Classification: Uncertain significance. Last evaluated: 2017-06-30. Review status: criteria provided, single submitter. Criteria: Athena Diagnostics Criteria. Collection method: clinical testing. Allele origin: germline.

NM_000426.4(LAMA2):c.2477G>A (p.Arg826Gln)

Gene: LAMA2 (laminin subunit alpha 2; plus strand). Cytogenetic location: 6q22.33.
Variant type: single nucleotide variant.
Coding change: c.2477G>A on transcript NM_000426.4 (MANE Select); coding-DNA position 2477, G replaced by A.
Protein change: p.Arg826Gln; replaces arginine 826 with glutamine.
Molecular consequence: missense variant.
Genome position (GRCh38, 1-based): chr6:129,280,087, G>A. VCF-style: chr6-129280087-G-A. GRCh37 (hg19) VCF-style: chr6-129601232-G-A.
Other names: c.2477G>A, p.Arg826Gln (NM_001079823.2); short protein forms R826Q.
Identifiers: ClinVar variation 447683 (VCV000447683.20), dbSNP rs759973830, ClinGen allele CA3992959.